The following is an entry in ClinVar:

NM_144997.7(FLCN):c.576G>A (p.Lys192=)

Gene: FLCN (folliculin; minus strand). Cytogenetic location: 17p11.2.
Variant type: single nucleotide variant.
Coding change: c.576G>A on transcript NM_144997.7 (MANE Select); coding-DNA position 576, G replaced by A.
Protein change: p.Lys192=; no amino-acid change (lysine 192 retained).
Molecular consequence: synonymous variant.
Genome position (GRCh38, 1-based): chr17:17,223,964, C>T on the plus strand (G>A on the coding strand, the complement: FLCN is on the minus strand). VCF-style: chr17-17223964-C-T. GRCh37 (hg19) VCF-style: chr17-17127278-C-T.
Other names: c.630G>A, p.Lys210= (NM_001353229.2); c.576G>A, p.Lys192= (NM_001353230.2, NM_001353231.2, NM_144606.7).
Identifiers: ClinVar variation 2413877 (VCV002413877.11), dbSNP rs2047172833, ClinGen allele CA498166155.

ClinVar aggregate classification (germline): Benign/Likely benign. Review status: criteria provided, multiple submitters, no conflicts (2 of 4 stars). 3 submissions from 3 submitters: Benign (1); Likely benign (2). Last evaluated 2024-10-23.

Conditions:
Hereditary cancer-predisposing syndrome. Also called: Hereditary neoplastic syndrome; Tumor predisposition; Neoplastic Syndromes, Hereditary; Hereditary Cancer Syndrome. Identifiers: Orphanet 140162, MedGen C0027672, MeSH D009386, MONDO:0015356.
Birt-Hogg-Dube syndrome 1 (BHD1). Also called: FIBROFOLLICULOMAS WITH TRICHODISCOMAS AND ACROCHORDONS. Identifiers: Orphanet 122, MedGen CN375946, MONDO:0800445, OMIM 135150.
Birt-Hogg-Dube syndrome. Also called: Birt Hogg Dubé syndrome. Identifiers: Orphanet 122, MedGen C0346010, MONDO:0800444.

Submissions (3):

Myriad Genetics, Inc.
Classification: Benign for Birt-Hogg-Dube syndrome 1. Last evaluated: 2024-10-23. Review status: criteria provided, single submitter. Criteria: Myriad Autosomal Dominant, Autosomal Recessive and X-Linked Classification Criteria (2023). Collection method: clinical testing. Allele origin: unknown.
Comment: This variant is considered benign. This variant is a silent/synonymous amino acid change and it is not expected to impact splicing.

Labcorp Genetics (formerly Invitae), Labcorp
Classification: Likely benign for Birt-Hogg-Dube syndrome. Last evaluated: 2024-07-08. Review status: criteria provided, single submitter. Criteria: Invitae Variant Classification Sherloc (09022015). Collection method: clinical testing. Allele origin: germline.

Ambry Genetics
Classification: Likely benign for Hereditary cancer-predisposing syndrome. Last evaluated: 2023-12-04. Review status: criteria provided, single submitter. Criteria: Ambry Variant Classification Scheme 2023. Collection method: clinical testing. Allele origin: germline.